The following is an entry in ClinVar:

NM_001080495.3(TNRC18):c.2949G>A (p.Ala983=)

Gene: TNRC18 (trinucleotide repeat containing 18; minus strand). Cytogenetic location: 7p22.1.
Variant type: single nucleotide variant.
Coding change: c.2949G>A on transcript NM_001080495.3 (MANE Select); coding-DNA position 2949, G replaced by A.
Protein change: p.Ala983=; no amino-acid change (alanine 983 retained).
Molecular consequence: synonymous variant.
Genome position (GRCh38, 1-based): chr7:5,374,335, C>T on the plus strand (G>A on the coding strand, the complement: TNRC18 is on the minus strand). VCF-style: chr7-5374335-C-T. GRCh37 (hg19) VCF-style: chr7-5413966-C-T.
Identifiers: ClinVar variation 4084436 (VCV004084436.8).

ClinVar aggregate classification (germline): Likely benign (1 of 4 stars; one submission).

Submission:

CeGaT Center for Human Genetics Tuebingen
Classification: Likely benign. Last evaluated: 2025-09-01. Review status: criteria provided, single submitter. Criteria: CeGaT Center For Human Genetics Tuebingen Variant Classification Criteria Version 2. Collection method: clinical testing. Allele origin: germline. Affected: yes. Observed: 1 variant allele.
Comment: TNRC18: BP4, BP7